The following is an entry in ClinVar:

ClinVar aggregate classification (germline): Uncertain significance. Review status: criteria provided, multiple submitters, no conflicts (2 of 4 stars). 2 submissions from 2 submitters: Uncertain significance (2). Last evaluated 2024-11-26.

Conditions:
Hereditary cancer-predisposing syndrome. Also called: Tumor predisposition; Hereditary Cancer Syndrome; Neoplastic Syndromes, Hereditary; Hereditary neoplastic syndrome. Identifiers: Orphanet 140162, MedGen C0027672, MeSH D009386, MONDO:0015356.
Ataxia-telangiectasia syndrome (AT). Also called: Cerebello-oculocutaneous telangiectasia; Immunodeficiency with ataxia telangiectasia; Ataxia-telangiectasia, complementation group D; AT, COMPLEMENTATION GROUP C; Ataxia-telangiectasia, complementation group E; LOUIS-BAR SYNDROME. Identifiers: Orphanet 100, MedGen C0004135, MONDO:0008840, OMIM 208900.

Submissions (2):

Ambry Genetics
Classification: Uncertain significance for Hereditary cancer-predisposing syndrome. Last evaluated: 2024-11-26. Review status: criteria provided, single submitter. Criteria: Ambry Variant Classification Scheme 2023. Collection method: clinical testing. Allele origin: germline.
Comment: The p.E450K variant (also known as c.1348G>A), located in coding exon 9 of the ATM gene, results from a G to A substitution at nucleotide position 1348. The glutamic acid at codon 450 is replaced by lysine, an amino acid with similar properties. This amino acid position is highly conserved in available vertebrate species. In addition, the in silico prediction for this alteration is inconclusive. Based on the available evidence, the clinical significance of this variant remains unclear.

Labcorp Genetics (formerly Invitae), Labcorp
Classification: Uncertain significance for Ataxia-telangiectasia syndrome. Last evaluated: 2017-05-06. Review status: criteria provided, single submitter. Criteria: Invitae Variant Classification Sherloc (09022015). Collection method: clinical testing. Allele origin: germline.
Comment: In summary, this variant is a novel missense change with uncertain impact on protein function. It has been classified as a Variant of Uncertain Significance. This sequence change replaces glutamic acid with lysine at codon 450 of the ATM protein (p.Glu450Lys). The glutamic acid residue is moderately conserved and there is a small physicochemical difference between glutamic acid and lysine. This variant is not present in population databases (ExAC no frequency) and has not been reported in the literature in individuals with a ATM-related disease. Algorithms developed to predict the effect of missense changes on protein structure and function do not agree on the potential impact of this missense change (SIFT: "Deleterious"; PolyPhen-2: "Possibly Damaging"; Align-GVGD: "Class C0").

NM_000051.4(ATM):c.1348G>A (p.Glu450Lys)

Gene: ATM (ATM serine/threonine kinase; plus strand). Cytogenetic location: 11q22.3.
Variant type: single nucleotide variant.
Coding change: c.1348G>A on transcript NM_000051.4 (MANE Select); coding-DNA position 1348, G replaced by A.
Protein change: p.Glu450Lys; replaces glutamic acid 450 with lysine.
Molecular consequence: missense variant.
Genome position (GRCh38, 1-based): chr11:108,250,813, G>A. VCF-style: chr11-108250813-G-A. GRCh37 (hg19) VCF-style: chr11-108121540-G-A.
Other names: c.1348G>A, p.Glu450Lys (NM_001351834.2); short protein forms E450K.
Identifiers: ClinVar variation 453360 (VCV000453360.8), dbSNP rs1555070786, ClinGen allele CA382533765.